The following is an entry in ClinVar:

NM_000383.4(AIRE):c.653-5C>T

Gene: AIRE (autoimmune regulator; plus strand). Cytogenetic location: 21q22.3.
Variant type: single nucleotide variant.
Coding change: c.653-5C>T on transcript NM_000383.4 (MANE Select); 5 bases into the intron before coding-DNA position 653, C replaced by T.
Molecular consequence: intron variant.
Genome position (GRCh38, 1-based): chr21:44,289,652, C>T. VCF-style: chr21-44289652-C-T. GRCh37 (hg19) VCF-style: chr21-45709535-C-T.
Identifiers: ClinVar variation 528311 (VCV000528311.10), dbSNP rs771182213, ClinGen allele CA10051671.

ClinVar aggregate classification (germline): Likely benign. Review status: criteria provided, single submitter (1 of 4 stars). 2 submissions from 2 submitters: Likely benign (1). 1 of the submissions does not count toward it. Last evaluated 2026-01-26.

Conditions:
Polyglandular autoimmune syndrome, type 1 (APS1). Also called: AUTOIMMUNE POLYENDOCRINE SYNDROME, TYPE I, WITH OR WITHOUT REVERSIBLE METAPHYSEAL DYSPLASIA; APS I; HYPOADRENOCORTICISM WITH HYPOPARATHYROIDISM AND SUPERFICIAL MONILIASIS; PGA I; Autoimmune polyendocrine syndrome type 1; Autoimmune polyendocrinopathy syndrome, type I. Identifiers: Orphanet 3453, MedGen C0085859, MONDO:0009411, OMIM 240300.
AIRE-related disorder. Also called: AIRE-related condition.

Allele frequency attached by ClinVar (database versions not stated): gnomAD exomes below 0.00001 and 0.00001; ExAC 0.00001; gnomAD 0.00001; TOPMed 0.00001.
gnomAD v4.1: 10 of 1,612,626 alleles (0.00062%); highest among the groups gnomAD compares: South Asian, 0.0088%; no homozygotes.

Submissions (2):

Labcorp Genetics (formerly Invitae), Labcorp
Classification: Likely benign for Polyglandular autoimmune syndrome, type 1. Last evaluated: 2026-01-26. Review status: criteria provided, single submitter. Criteria: Invitae Variant Classification Sherloc (09022015). Collection method: clinical testing. Allele origin: germline.

PreventionGenetics, part of Exact Sciences
Classification: Likely benign for AIRE-related condition. Last evaluated: 2019-04-05. Review status: no assertion criteria provided. Collection method: clinical testing. Allele origin: germline. Not counted in ClinVar's aggregate classification.
Comment: This variant is classified as likely benign based on ACMG/AMP sequence variant interpretation guidelines (Richards et al. 2015 PMID: 25741868, with internal and published modifications).